The following is an entry in ClinVar:

ClinVar aggregate classification (germline): Pathogenic. Review status: criteria provided, single submitter (1 of 4 stars). 3 submissions from 3 submitters: Pathogenic (1). 2 of the submissions do not count toward it. Last evaluated 2022-07-07.

Conditions:
Autosomal recessive limb-girdle muscular dystrophy type 2E (LGMDR4). Also called: MUSCULAR DYSTROPHY, LIMB-GIRDLE, AUTOSOMAL RECESSIVE 4. Identifiers: Orphanet 119, MedGen C1858593, MONDO:0011423, OMIM 604286. Disease mechanism: Affects gamma-sarcoglycan and also disrupts the integrity of the entire sarcoglycan complex..

Submissions (3):

Labcorp Genetics (formerly Invitae), Labcorp
Classification: Pathogenic for Autosomal recessive limb-girdle muscular dystrophy type 2E. Last evaluated: 2022-07-07. Review status: criteria provided, single submitter. Criteria: Invitae Variant Classification Sherloc (09022015). Collection method: clinical testing. Allele origin: germline.
Comment: This sequence change creates a premature translational stop signal (p.Tyr184*) in the SGCB gene. It is expected to result in an absent or disrupted protein product. Loss-of-function variants in SGCB are known to be pathogenic (PMID: 15938573, 18285821). This variant is not present in population databases (gnomAD no frequency). This premature translational stop signal has been observed in individual(s) with SGCB-related conditions (PMID: 7581449, 9032047, 12868499, 25862795). ClinVar contains an entry for this variant (Variation ID: 8713). Algorithms developed to predict the effect of sequence changes on RNA splicing suggest that this variant may disrupt the consensus splice site. For these reasons, this variant has been classified as Pathogenic.

Counsyl
Classification: Likely pathogenic for Autosomal recessive limb-girdle muscular dystrophy type 2E. Last evaluated: 2016-03-29. Review status: no assertion criteria provided. Collection method: clinical testing. Allele origin: unknown. Not counted in ClinVar's aggregate classification.

OMIM
Classification: Pathogenic for MUSCULAR DYSTROPHY, LIMB-GIRDLE, AUTOSOMAL RECESSIVE 4. Last evaluated: 1995-11-01. Review status: no assertion criteria provided. Collection method: literature only. Allele origin: germline. Not counted in ClinVar's aggregate classification.

Literature cited by the submitters: PubMed 15938573 (cited by Labcorp Genetics (formerly Invitae), Labcorp); PubMed 18285821 (cited by Labcorp Genetics (formerly Invitae), Labcorp); PubMed 7581449 (cited by 3 submitters); PubMed 9032047 (cited by Labcorp Genetics (formerly Invitae), Labcorp); PubMed 12868499 (cited by Labcorp Genetics (formerly Invitae), Labcorp); PubMed 25862795 (cited by Labcorp Genetics (formerly Invitae), Labcorp).

NM_000232.5(SGCB):c.552T>G (p.Tyr184Ter)

Gene: SGCB (sarcoglycan beta; minus strand). Cytogenetic location: 4q12.
Variant type: single nucleotide variant.
Coding change: c.552T>G on transcript NM_000232.5 (MANE Select); coding-DNA position 552, T replaced by G.
Protein change: p.Tyr184Ter; replaces tyrosine 184 with a stop codon.
Molecular consequence: nonsense.
Genome position (GRCh38, 1-based): chr4:52,028,799, A>C on the plus strand (T>G on the coding strand, the complement: SGCB is on the minus strand). VCF-style: chr4-52028799-A-C. GRCh37 (hg19) VCF-style: chr4-52894965-A-C.
Other names: short protein forms Y184*.
Identifiers: ClinVar variation 8713 (VCV000008713.8), dbSNP rs104893868, ClinGen allele CA119851.
Genomic context (GRCh38, chr4:52,028,799, plus strand): 5'-AGATGCCTTTTGAACATTCAAACTTTTCACTCCACTTGGCAAATGAAACTCATGAGTTTC[A>C]TAGTCTGTGCTGAATAAGATATTTTGAGTCCTCGGGTCAAAAAACTGCATGCCGATGTCA-3'